The following is an entry in ClinVar:

ClinVar aggregate classification (germline): Pathogenic (1 of 4 stars; one submission).

Submission:

Labcorp Genetics (formerly Invitae), Labcorp
Classification: Pathogenic. Last evaluated: 2022-02-09. Review status: criteria provided, single submitter. Criteria: Invitae Variant Classification Sherloc (09022015). Collection method: clinical testing. Allele origin: germline.
Comment: This variant has not been reported in the literature in individuals affected with ARMC9-related conditions. For these reasons, this variant has been classified as Pathogenic. ClinVar contains an entry for this variant (Variation ID: 1076594). This variant is not present in population databases (gnomAD no frequency). This sequence change creates a premature translational stop signal (p.Gly501Alafs*22) in the ARMC9 gene. It is expected to result in an absent or disrupted protein product. Loss-of-function variants in ARMC9 are known to be pathogenic (PMID: 28625504).

Literature cited by the submitters: PubMed 28625504.

NM_001352754.2(ARMC9):c.1502del (p.Gly501fs)

Gene: ARMC9 (armadillo repeat containing 9; plus strand). Cytogenetic location: 2q37.1.
Variant type: Deletion.
Coding change: c.1502del on transcript NM_001352754.2 (MANE Select); coding-DNA position 1502, one base deleted (G; older notation c.1502delG).
Protein change: p.Gly501fs; shifts the reading frame from glycine 501.
Molecular consequence: frameshift variant. On other transcripts: non-coding transcript variant (1).
Genome position (GRCh38, 1-based): chr2:231,278,409, G deleted; the last of 2 consecutive G bases (chr2:231,278,408-231,278,409); deleting either gives the same sequence. VCF-style (leftmost placement, unchanged base first): chr2-231278407-AG-A. GRCh37 (hg19) VCF-style: chr2-232143120-AG-A.
Other names: c.1502del, p.Gly501fs (NM_001271466.4, NM_001291656.2, NM_001352755.2 and 3 more transcripts); c.1403del, p.Gly468fs (NM_001352757.2, NM_001352758.2); short protein forms G468fs, G501fs.
Identifiers: ClinVar variation 1076594 (VCV001076594.7), dbSNP rs2125446588, ClinGen allele CA2499215771.